The following is an entry in ClinVar:

NM_004447.6(EPS8):c.104A>G (p.His35Arg)

Gene: EPS8 (EGFR pathway substrate 8, signaling adaptor; minus strand). Cytogenetic location: 12p12.3.
Variant type: single nucleotide variant.
Coding change: c.104A>G on transcript NM_004447.6 (MANE Select); coding-DNA position 104, A replaced by G.
Protein change: p.His35Arg; replaces histidine 35 with arginine.
Molecular consequence: missense variant.
Genome position (GRCh38, 1-based): chr12:15,681,258, T>C on the plus strand (A>G on the coding strand, the complement: EPS8 is on the minus strand). VCF-style: chr12-15681258-T-C. GRCh37 (hg19) VCF-style: chr12-15834192-T-C.
Other names: p.His35Arg; short protein forms H35R.
Identifiers: ClinVar variation 508700 (VCV000508700.44), dbSNP rs71532816, ClinGen allele CA6467987.

ClinVar aggregate classification (germline): Benign/Likely benign. Review status: criteria provided, multiple submitters, no conflicts (2 of 4 stars). 6 submissions from 6 submitters: Benign (4); Likely benign (2). Last evaluated 2026-04-01.

Conditions:
Autosomal recessive nonsyndromic hearing loss 102. Also called: Deafness, autosomal recessive 102. Identifiers: Orphanet 90636, MedGen C3892050, MONDO:0014428, OMIM 615974.
Hearing loss, autosomal recessive 106. Also called: DEAFNESS, AUTOSOMAL RECESSIVE 106. Identifiers: MedGen C4539954, MONDO:0033198, OMIM 617637.

Allele frequency attached by ClinVar (database versions not stated): 1000 Genomes Project 30x 0.00172; 1000 Genomes Project 0.00180; gnomAD 0.00616 and 0.00631; TOPMed 0.00632; ESP Exome Variant Server 0.00646.
gnomAD v4.1: 14,721 of 1,566,758 alleles (0.94%); highest among the groups gnomAD compares: Non-Finnish European, 1.2%; 97 homozygotes.

Submissions (6):

CeGaT Center for Human Genetics Tuebingen
Classification: Benign. Last evaluated: 2026-04-01. Review status: criteria provided, single submitter. Criteria: CeGaT Center For Human Genetics Tuebingen Variant Classification Criteria Version 2. Collection method: clinical testing. Allele origin: germline. Affected: yes. Observed: 5 variant alleles.
Comment: EPS8: BP4, BS1, BS2

Labcorp Genetics (formerly Invitae), Labcorp
Classification: Likely benign. Last evaluated: 2026-01-19. Review status: criteria provided, single submitter. Criteria: Invitae Variant Classification Sherloc (09022015). Collection method: clinical testing. Allele origin: germline.

Fulgent Genetics
Classification: Likely benign for Autosomal recessive nonsyndromic hearing loss 102. Last evaluated: 2021-08-16. Review status: criteria provided, single submitter. Criteria: ACMG Guidelines, 2015. Collection method: clinical testing. Allele origin: unknown.

Mayo Clinic Laboratories, Mayo Clinic
Classification: Benign. Last evaluated: 2021-03-29. Review status: criteria provided, single submitter. Criteria: ACMG Guidelines, 2015. Collection method: clinical testing. Allele origin: germline. Observed: 4 variant alleles.

GeneDx
Classification: Benign. Last evaluated: 2019-05-02. Review status: criteria provided, single submitter. Criteria: GeneDx Variant Classification Process June 2021. Collection method: clinical testing. Allele origin: germline. Affected: yes.

Eurofins Ntd Llc (ga)
Classification: Benign. Last evaluated: 2017-11-30. Review status: criteria provided, single submitter. Criteria: EGL Classification Definitions 2015. Collection method: clinical testing. Allele origin: germline. Observed: 1 variant allele, 1 heterozygote.